The following is an entry in ClinVar:

NM_001385.3(DPYS):c.758C>G (p.Ser253Cys)

Gene: DPYS (dihydropyrimidinase; minus strand). Cytogenetic location: 8q22.3.
Variant type: single nucleotide variant.
Coding change: c.758C>G on transcript NM_001385.3 (MANE Select); coding-DNA position 758, C replaced by G.
Protein change: p.Ser253Cys; replaces serine 253 with cysteine.
Molecular consequence: missense variant.
Genome position (GRCh38, 1-based): chr8:104,444,283, G>C on the plus strand (C>G on the coding strand, the complement: DPYS is on the minus strand). VCF-style: chr8-104444283-G-C. GRCh37 (hg19) VCF-style: chr8-105456511-G-C.
Other names: short protein forms S253C.
Identifiers: ClinVar variation 2387591 (VCV002387591.3), dbSNP rs150790730, ClinGen allele CA4838486.

ClinVar aggregate classification (germline): Uncertain significance. Review status: criteria provided, multiple submitters, no conflicts (2 of 4 stars). 2 submissions from 2 submitters: Uncertain significance (2). Last evaluated 2024-10-31.

Conditions:
Inborn genetic diseases. Identifiers: MedGen C0950123, MeSH D030342.

Allele frequency attached by ClinVar (database versions not stated): ExAC 0.00002; TOPMed 0.00002; gnomAD 0.00004; gnomAD exomes 0.00004; ESP Exome Variant Server 0.00008.
gnomAD v4.1: 30 of 1,614,096 alleles (0.0019%); highest among the groups gnomAD compares: Non-Finnish European, 0.0025%; no homozygotes.

Submissions (2):

Blueprint Genetics
Classification: Uncertain significance. Last evaluated: 2024-10-31. Review status: criteria provided, single submitter. Criteria: ACMG Guidelines, 2015. Collection method: clinical testing. Allele origin: germline.

Ambry Genetics
Classification: Uncertain significance for Inborn genetic diseases. Last evaluated: 2021-04-08. Review status: criteria provided, single submitter. Criteria: Ambry Variant Classification Scheme 2023. Collection method: clinical testing. Allele origin: germline.
Comment: The c.758C>G (p.S253C) alteration is located in exon 4 (coding exon 4) of the DPYS gene. This alteration results from a C to G substitution at nucleotide position 758, causing the serine (S) at amino acid position 253 to be replaced by a cysteine (C). The in silico prediction for the p.S253C alteration is inconclusive. Based on insufficient or conflicting evidence, the clinical significance of this alteration remains unclear.